The following is an entry in ClinVar:

ClinVar aggregate classification (germline): Uncertain significance. Review status: criteria provided, multiple submitters, no conflicts (2 of 4 stars). 3 submissions from 3 submitters: Uncertain significance (2). 1 of the submissions does not count toward it. Last evaluated 2024-01-08.

Conditions:
Long QT syndrome (LQTS). Identifiers: MedGen C0023976, MeSH D008133, MONDO:0002442. Disease mechanism: loss of function. Inheritance: Various modes of inheritance.
RYR2-related disorder. Also called: RYR2-related condition.
Catecholaminergic polymorphic ventricular tachycardia 1. Also called: RYR2-Related Catecholaminergic Polymorphic Ventricular Tachycardia; VENTRICULAR TACHYCARDIA, CATECHOLAMINERGIC POLYMORPHIC, 1, WITH OR WITHOUT ATRIAL DYSFUNCTION AND/OR DILATED CARDIOMYOPATHY; VENTRICULAR TACHYCARDIA, STRESS-INDUCED POLYMORPHIC 1. Identifiers: Orphanet 3286, MedGen C1631597, MONDO:0011484, OMIM 604772.

Allele frequency attached by ClinVar (database versions not stated): gnomAD exomes 0.00001; TOPMed 0.00001.
gnomAD v4.1: 13 of 1,564,530 alleles (0.00083%); highest among the groups gnomAD compares: Non-Finnish European, 0.0011%; no homozygotes.

Submissions (3):

Dept of Medical Biology, Uskudar University
Classification: Uncertain significance for Long QT syndrome. Last evaluated: 2024-01-08. Review status: criteria provided, single submitter. Criteria: Dept of Medical Biology Variant Classification. Collection method: research. Allele origin: maternal. Affected: yes. Observed: 1 variant allele.
Comment: Criteria: PM2, PP2

Labcorp Genetics (formerly Invitae), Labcorp
Classification: Uncertain significance for Catecholaminergic polymorphic ventricular tachycardia 1. Last evaluated: 2023-12-11. Review status: criteria provided, single submitter. Criteria: Invitae Variant Classification Sherloc (09022015). Collection method: clinical testing. Allele origin: germline.
Comment: This sequence change replaces isoleucine, which is neutral and non-polar, with valine, which is neutral and non-polar, at codon 119 of the RYR2 protein (p.Ile119Val). This variant is not present in population databases (gnomAD no frequency). This variant has not been reported in the literature in individuals affected with RYR2-related conditions. ClinVar contains an entry for this variant (Variation ID: 1003725). Advanced modeling of protein sequence and biophysical properties (such as structural, functional, and spatial information, amino acid conservation, physicochemical variation, residue mobility, and thermodynamic stability) performed at Invitae indicates that this missense variant is not expected to disrupt RYR2 protein function with a negative predictive value of 95%. In summary, the available evidence is currently insufficient to determine the role of this variant in disease. Therefore, it has been classified as a Variant of Uncertain Significance.

PreventionGenetics, part of Exact Sciences
Classification: Uncertain significance for RYR2-related condition. Last evaluated: 2024-05-07. Review status: no assertion criteria provided. Collection method: clinical testing. Allele origin: germline. Not counted in ClinVar's aggregate classification.
Comment: The RYR2 c.355A>G variant is predicted to result in the amino acid substitution p.Ile119Val. To our knowledge, this variant has not been reported in the literature or in a large population database, indicating this variant is rare. At this time, the clinical significance of this variant is uncertain due to the absence of conclusive functional and genetic evidence.

NM_001035.3(RYR2):c.355A>G (p.Ile119Val)

Gene: RYR2 (ryanodine receptor 2; plus strand). Cytogenetic location: 1q43.
Variant type: single nucleotide variant.
Coding change: c.355A>G on transcript NM_001035.3 (MANE Select); coding-DNA position 355, A replaced by G.
Protein change: p.Ile119Val; replaces isoleucine 119 with valine.
Molecular consequence: missense variant.
Genome position (GRCh38, 1-based): chr1:237,369,579, A>G. VCF-style: chr1-237369579-A-G. GRCh37 (hg19) VCF-style: chr1-237532879-A-G.
Other names: c.355A>G (NM_001035.2); short protein forms I119V.
Identifiers: ClinVar variation 1003725 (VCV001003725.12), dbSNP rs1477582479, ClinGen allele CA345655001.